The following is an entry in ClinVar:

NM_001130987.2(DYSF):c.4106A>G (p.Asn1369Ser)

Gene: DYSF (dysferlin; plus strand). Cytogenetic location: 2p13.2.
Variant type: single nucleotide variant.
Coding change: c.4106A>G on transcript NM_001130987.2 (MANE Select); coding-DNA position 4106, A replaced by G.
Protein change: p.Asn1369Ser; replaces asparagine 1369 with serine.
Molecular consequence: missense variant.
Genome position (GRCh38, 1-based): chr2:71,611,511, A>G. VCF-style: chr2-71611511-A-G. GRCh37 (hg19) VCF-style: chr2-71838641-A-G.
Other names: c.4055A>G, p.Asn1352Ser (NM_001130455.2, NM_001130983.2); c.4010A>G, p.Asn1337Ser (NM_001130976.2, NM_001130977.2); c.4052A>G, p.Asn1351Ser (NM_001130978.2, NM_003494.4); c.4145A>G, p.Asn1382Ser (NM_001130979.2); c.4103A>G, p.Asn1368Ser (NM_001130980.2, NM_001130981.2); c.4148A>G, p.Asn1383Ser (NM_001130982.2); c.4013A>G, p.Asn1338Ser (NM_001130984.2, NM_001130986.2); c.4106A>G, p.Asn1369Ser (NM_001130985.2); short protein forms N1351S, N1369S, N1383S, N1337S, N1352S, N1368S, N1338S, N1382S.
Identifiers: ClinVar variation 289963 (VCV000289963.27), dbSNP rs139529811, ClinGen allele CA1706892.

ClinVar aggregate classification (germline): Conflicting classifications of pathogenicity. Review status: criteria provided, conflicting classifications (1 of 4 stars). 7 submissions from 7 submitters: Uncertain significance (3); Likely benign (2). 2 of the submissions do not count toward it. Last evaluated 2026-01-28.

Conditions:
DYSF-related disorder. Also called: DYSF-related condition; DYSF-related disorders.
Neuromuscular disease caused by qualitative or quantitative defects of dysferlin. Also called: Dysferlinopathy; Qualitative or quantitative defects of dysferlin. Identifiers: Orphanet 207073, MedGen C2931687, MONDO:0016145.
Autosomal recessive limb-girdle muscular dystrophy type 2B (LGMDR2). Also called: MUSCULAR DYSTROPHY, LIMB-GIRDLE, AUTOSOMAL RECESSIVE 2; Limb-girdle muscular dystrophy, type 2B; Limb-Girdle Muscular Dystrophy Type 2B (LGMD2B); MUSCULAR DYSTROPHY, LIMB-GIRDLE, TYPE 3. Identifiers: Orphanet 268, MedGen C1850889, MONDO:0009676, OMIM 253601.

Allele frequency attached by ClinVar (database versions not stated): gnomAD exomes 0.00012 and 0.00022; ExAC 0.00015; ESP Exome Variant Server 0.00015; 1000 Genomes Project 30x 0.00016; gnomAD 0.00017 and 0.00021; 1000 Genomes Project 0.00020; TOPMed 0.00035.
gnomAD v4.1: 227 of 1,614,138 alleles (0.014%); highest among the groups gnomAD compares: Admixed American, 0.087%; no homozygotes.

Submissions (7):

Labcorp Genetics (formerly Invitae), Labcorp
Classification: Likely benign for Neuromuscular disease caused by qualitative or quantitative defects of dysferlin. Last evaluated: 2026-01-28. Review status: criteria provided, single submitter. Criteria: Invitae Variant Classification Sherloc (09022015). Collection method: clinical testing. Allele origin: germline.

Revvity Omics, Revvity
Classification: Uncertain significance. Last evaluated: 2025-07-15. Review status: criteria provided, single submitter. Criteria: ACMG Guidelines, 2015. Collection method: clinical testing. Allele origin: germline.

GeneDx
Classification: Likely benign. Last evaluated: 2019-11-14. Review status: criteria provided, single submitter. Criteria: GeneDx Variant Classification Process June 2021. Collection method: clinical testing. Allele origin: germline. Affected: yes.
Comment: This variant is associated with the following publications: (PMID: 23519732, 16010686)

Illumina Laboratory Services, Illumina
Classification: Uncertain significance for Qualitative or quantitative defects of dysferlin. Last evaluated: 2017-04-28. Review status: criteria provided, single submitter. Criteria: ICSL Variant Classification Criteria 13 December 2019. Collection method: clinical testing. Allele origin: germline.
Comment: This variant was observed as part of a predisposition screen in an ostensibly healthy population. A literature search was performed for the gene, cDNA change, and amino acid change (where applicable). Publications were found based on this search. However, the evidence from the literature, in combination with allele frequency data from public databases where available, was not sufficient to rule this variant in or out of causing disease. Therefore, this variant is classified as a variant of unknown significance.

Eurofins Ntd Llc (ga)
Classification: Uncertain significance. Last evaluated: 2016-08-01. Review status: criteria provided, single submitter. Criteria: EGL Classification Definitions 2015. Collection method: clinical testing. Allele origin: germline. Observed: 1 variant allele, 1 heterozygote.

PreventionGenetics, part of Exact Sciences
Classification: Uncertain significance for DYSF-related condition. Last evaluated: 2024-02-24. Review status: no assertion criteria provided. Collection method: clinical testing. Allele origin: germline. Not counted in ClinVar's aggregate classification.
Comment: The DYSF c.4052A>G variant is predicted to result in the amino acid substitution p.Asn1351Ser. This variant has been reported in the heterozygous state in an individual with Miyoshi myopathy (Table 2, Nilsson et al. 2013. PubMed ID: 23519732) and it was also reported in the homozygous state with another homozygous variant (p.Arg555Trp) in an individual with Miyoshi myopathy (Table 1, Nguyen et al. 2005. PubMed ID: 16010686). This variant is reported in 0.079% of alleles in individuals of Latino descent in gnomAD. Although we suspect that this variant may be benign, at this time, the clinical significance of this variant is uncertain due to the absence of conclusive functional and genetic evidence.

Natera, Inc.
Classification: Likely benign for Limb-girdle muscular dystrophy type 2B. Last evaluated: 2020-09-16. Review status: no assertion criteria provided. Collection method: clinical testing. Allele origin: germline. Not counted in ClinVar's aggregate classification.

Literature cited by the submitters: PubMed 16010686 (cited by Illumina Laboratory Services, Illumina); PubMed 23519732 (cited by Illumina Laboratory Services, Illumina).